The following is an entry in ClinVar:

NM_006579.3(EBP):c.467_468del (p.Val156fs)

Gene: EBP (EBP cholestenol delta-isomerase; plus strand). Cytogenetic location: Xp11.23.
Variant type: Microsatellite.
Coding change: c.467_468del on transcript NM_006579.3 (MANE Select); coding-DNA positions 467 to 468, 2 bases deleted (TG; older notation c.467_468delTG).
Protein change: p.Val156fs; shifts the reading frame from valine 156.
Molecular consequence: frameshift variant.
Genome position (GRCh38, 1-based): chrX:48,527,283-48,527,284, TG deleted; deleting any 2 consecutive bases within chrX:48,527,281-48,527,284 gives the same sequence; the c. name uses the placement nearest the transcript's 3' end. VCF-style (leftmost placement, unchanged base first): chrX-48527280-CTG-C. GRCh37 (hg19) VCF-style: chrX-48385668-CTG-C.
Other names: short protein forms V156fs.
Identifiers: ClinVar variation 3251172 (VCV003251172.18), dbSNP rs2519111447.

ClinVar aggregate classification (germline): Likely pathogenic (1 of 4 stars; one submission).

Submission:

CeGaT Center for Human Genetics Tuebingen
Classification: Likely pathogenic. Last evaluated: 2024-06-01. Review status: criteria provided, single submitter. Criteria: CeGaT Center For Human Genetics Tuebingen Variant Classification Criteria Version 2. Collection method: clinical testing. Allele origin: germline. Affected: yes. Observed: 1 variant allele.
Comment: EBP: PVS1:Strong, PM2, PS2:Supporting, PS4:Supporting